The following is an entry in ClinVar:

ClinVar aggregate classification (germline): Benign/Likely benign. Review status: criteria provided, multiple submitters, no conflicts (2 of 4 stars). 5 submissions from 5 submitters: Benign (2); Likely benign (3). Last evaluated 2026-05-10.

Conditions:
GLIS3-related disorder. Also called: GLIS3-related condition.
Neonatal diabetes mellitus with congenital hypothyroidism. Also called: NDH SYNDROME. Identifiers: Orphanet 79118, MedGen C1857775, MONDO:0012436, OMIM 610199.

Allele frequency attached by ClinVar (database versions not stated): gnomAD exomes 0.00007 and 0.00021; ExAC 0.00026; gnomAD 0.00082 and 0.00086; TOPMed 0.00091; ESP Exome Variant Server 0.00115; 1000 Genomes Project 0.00200; 1000 Genomes Project 30x 0.00219.
gnomAD v4.1: 234 of 1,613,964 alleles (0.014%); highest among the groups gnomAD compares: African/African-American, 0.28%; no homozygotes.

Submissions (5):

PreventionGenetics, part of Exact Sciences
Classification: Likely benign for GLIS3-related condition. Last evaluated: 2026-05-10. Review status: criteria provided, single submitter. Criteria: ACMG Guidelines, 2015. Collection method: clinical testing. Allele origin: germline.
Comment: This variant is classified as likely benign based on ACMG/AMP sequence variant interpretation guidelines (Richards et al. 2015 PMID: 25741868, with internal and published modifications).

Labcorp Genetics (formerly Invitae), Labcorp
Classification: Benign. Last evaluated: 2025-07-25. Review status: criteria provided, single submitter. Criteria: Invitae Variant Classification Sherloc (09022015). Collection method: clinical testing. Allele origin: germline.

Blueprint Genetics
Classification: Likely benign. Last evaluated: 2024-06-26. Review status: criteria provided, single submitter. Criteria: ACMG Guidelines, 2015. Collection method: clinical testing. Allele origin: germline.

Fulgent Genetics
Classification: Likely benign for Neonatal diabetes mellitus with congenital hypothyroidism. Last evaluated: 2021-07-26. Review status: criteria provided, single submitter. Criteria: ACMG Guidelines, 2015. Collection method: clinical testing. Allele origin: unknown.

Breakthrough Genomics
Classification: Benign. Review status: criteria provided, single submitter. Criteria: ACMG Guidelines, 2015. Collection method: not provided. Allele origin: germline. Inheritance: Autosomal recessive inheritance. Affected: yes.

NM_001042413.2(GLIS3):c.744A>G (p.Leu248=)

Gene: GLIS3 (GLIS family zinc finger 3; minus strand). Cytogenetic location: 9p24.2.
Variant type: single nucleotide variant.
Coding change: c.744A>G on transcript NM_001042413.2 (MANE Select); coding-DNA position 744, A replaced by G.
Protein change: p.Leu248=; no amino-acid change (leucine 248 retained).
Molecular consequence: synonymous variant.
Genome position (GRCh38, 1-based): chr9:4,118,734, T>C on the plus strand (A>G on the coding strand, the complement: GLIS3 is on the minus strand). VCF-style: chr9-4118734-T-C. GRCh37 (hg19) VCF-style: chr9-4118734-T-C.
Other names: c.279A>G, p.Leu93= (NM_152629.4); c.744A>G (NM_001042413.1).
Identifiers: ClinVar variation 717912 (VCV000717912.13), dbSNP rs139080385, ClinGen allele CA4968430.